The following is an entry in ClinVar:

ClinVar aggregate classification (germline): Uncertain significance. Review status: criteria provided, multiple submitters, no conflicts (2 of 4 stars). 3 submissions from 3 submitters: Uncertain significance (3). Last evaluated 2025-08-06.

Conditions:
Neurodevelopmental disorder with or without anomalies of the brain, eye, or heart (NEDBEH). Identifiers: Orphanet 494344, MedGen C5567477, MONDO:0014857, OMIM 616975.
Inborn genetic diseases. Identifiers: MedGen C0950123, MeSH D030342.

Allele frequency attached by ClinVar (database versions not stated): gnomAD exomes below 0.00001; gnomAD 0.00001.
gnomAD v4.1: 3 of 1,614,094 alleles (0.00019%); highest among the groups gnomAD compares: Admixed American, 0.0017%; no homozygotes.

Submissions (3):

Ambry Genetics
Classification: Uncertain significance for Inborn genetic diseases. Last evaluated: 2025-08-06. Review status: criteria provided, single submitter. Criteria: Ambry Variant Classification Scheme 2023. Collection method: clinical testing. Allele origin: germline.

Daryl Scott Lab, Baylor College of Medicine
Classification: Uncertain significance for Neurodevelopmental disorder with or without anomalies of the brain, eye, or heart. Last evaluated: 2025-08-05. Review status: criteria provided, single submitter. Criteria: ACMG Guidelines, 2015. Collection method: clinical testing. Allele origin: unknown. Affected: yes. Observed: 1 heterozygote.
Comment: PM2, PP3

Labcorp Genetics (formerly Invitae), Labcorp
Classification: Uncertain significance. Last evaluated: 2022-08-31. Review status: criteria provided, single submitter. Criteria: Invitae Variant Classification Sherloc (09022015). Collection method: clinical testing. Allele origin: germline.
Comment: This sequence change replaces proline, which is neutral and non-polar, with serine, which is neutral and polar, at codon 474 of the RERE protein (p.Pro474Ser). In summary, the available evidence is currently insufficient to determine the role of this variant in disease. Therefore, it has been classified as a Variant of Uncertain Significance. Advanced modeling of protein sequence and biophysical properties (such as structural, functional, and spatial information, amino acid conservation, physicochemical variation, residue mobility, and thermodynamic stability) performed at Invitae indicates that this missense variant is not expected to disrupt RERE protein function. This variant has not been reported in the literature in individuals affected with RERE-related conditions. This variant is not present in population databases (gnomAD no frequency).

NM_001042681.2(RERE):c.1420C>T (p.Pro474Ser)

Gene: RERE (arginine-glutamic acid dipeptide repeats; minus strand). Cytogenetic location: 1p36.23.
Variant type: single nucleotide variant.
Coding change: c.1420C>T on transcript NM_001042681.2 (MANE Select); coding-DNA position 1420, C replaced by T.
Protein change: p.Pro474Ser; replaces proline 474 with serine.
Molecular consequence: missense variant. On other transcripts: 5 prime UTR variant (1).
Genome position (GRCh38, 1-based): chr1:8,365,839, G>A on the plus strand (C>T on the coding strand, the complement: RERE is on the minus strand). VCF-style: chr1-8365839-G-A. GRCh37 (hg19) VCF-style: chr1-8425899-G-A.
Other names: c.-243C>T (NM_001042682.2); c.1420C>T, p.Pro474Ser (NM_012102.4); c.1420C>T (NM_012102.3); short protein forms P474S.
Identifiers: ClinVar variation 1919926 (VCV001919926.7), dbSNP rs1641785005, ClinGen allele CA338174836.